The following is an entry in ClinVar:

ClinVar aggregate classification (germline): Benign. Review status: criteria provided, single submitter (1 of 4 stars). 2 submissions from 2 submitters: Benign (1). 1 of the submissions does not count toward it. Last evaluated 2024-12-26.

Conditions:
MBTPS2-related disorder. Also called: MBTPS2-related condition.

Allele frequency attached by ClinVar (database versions not stated): TOPMed 0.00003; gnomAD 0.00004; gnomAD exomes 0.00008; ESP Exome Variant Server 0.00009.
gnomAD v4.1: 94 of 1,207,890 alleles (0.0078%); highest among the groups gnomAD compares: Non-Finnish European, 0.01%; no homozygotes.

Submissions (2):

Labcorp Genetics (formerly Invitae), Labcorp
Classification: Benign. Last evaluated: 2024-12-26. Review status: criteria provided, single submitter. Criteria: Invitae Variant Classification Sherloc (09022015). Collection method: clinical testing. Allele origin: germline.

PreventionGenetics, part of Exact Sciences
Classification: Likely benign for MBTPS2-related condition. Last evaluated: 2019-03-29. Review status: no assertion criteria provided. Collection method: clinical testing. Allele origin: germline. Not counted in ClinVar's aggregate classification.
Comment: This variant is classified as likely benign based on ACMG/AMP sequence variant interpretation guidelines (Richards et al. 2015 PMID: 25741868, with internal and published modifications).

NM_015884.4(MBTPS2):c.843T>C (p.His281=)

Gene: MBTPS2 (membrane bound transcription factor peptidase, site 2; plus strand). Cytogenetic location: Xp22.12.
Variant type: single nucleotide variant.
Coding change: c.843T>C on transcript NM_015884.4 (MANE Select); coding-DNA position 843, T replaced by C.
Protein change: p.His281=; no amino-acid change (histidine 281 retained).
Molecular consequence: synonymous variant.
Genome position (GRCh38, 1-based): chrX:21,869,551, T>C. VCF-style: chrX-21869551-T-C. GRCh37 (hg19) VCF-style: chrX-21887669-T-C.
Other names: c.843T>C (NM_015884.3).
Identifiers: ClinVar variation 2175025 (VCV002175025.6), dbSNP rs368929943, ClinGen allele CA327503954.